The following is an entry in ClinVar:

ClinVar aggregate classification (germline): Likely benign. Review status: criteria provided, multiple submitters, no conflicts (2 of 4 stars). 3 submissions from 3 submitters: Likely benign (3). Last evaluated 2024-02-01.

Allele frequency attached by ClinVar (database versions not stated): ESP Exome Variant Server 0.00031; gnomAD 0.00046 and 0.00048; TOPMed 0.00053; ExAC 0.00080; gnomAD exomes 0.00092.
gnomAD v4.1: 762 of 1,611,926 alleles (0.047%); highest among the groups gnomAD compares: Middle Eastern, 0.045%; 15 homozygotes.

Submissions (3):

CeGaT Center for Human Genetics Tuebingen
Classification: Likely benign. Last evaluated: 2024-02-01. Review status: criteria provided, single submitter. Criteria: CeGaT Center For Human Genetics Tuebingen Variant Classification Criteria Version 2. Collection method: clinical testing. Allele origin: germline. Affected: yes. Observed: 1 variant allele.
Comment: GCC2: BP4, BP7

Labcorp Genetics (formerly Invitae), Labcorp
Classification: Likely benign. Last evaluated: 2018-03-30. Review status: criteria provided, single submitter. Criteria: Invitae Variant Classification Sherloc (09022015). Collection method: clinical testing. Allele origin: germline.

Breakthrough Genomics
Classification: Likely benign. Review status: criteria provided, single submitter. Criteria: ACMG Guidelines, 2015. Collection method: not provided. Allele origin: germline. Inheritance: Unknown mechanism. Affected: yes.

NM_181453.4(GCC2):c.4749A>G (p.Glu1583=)

Gene: GCC2 (GRIP and coiled-coil domain containing 2; plus strand). Cytogenetic location: 2q12.3.
Variant type: single nucleotide variant.
Coding change: c.4749A>G on transcript NM_181453.4 (MANE Select); coding-DNA position 4749, A replaced by G.
Protein change: p.Glu1583=; no amino-acid change (glutamic acid 1583 retained).
Molecular consequence: synonymous variant. On other transcripts: non-coding transcript variant (1).
Genome position (GRCh38, 1-based): chr2:108,497,076, A>G. VCF-style: chr2-108497076-A-G. GRCh37 (hg19) VCF-style: chr2-109113532-A-G.
Identifiers: ClinVar variation 781603 (VCV000781603.26), dbSNP rs151279248, ClinGen allele CA1821392.